The following is an entry in ClinVar:

NM_033380.3(COL4A5):c.3428G>C (p.Gly1143Ala)

Gene: COL4A5 (collagen type IV alpha 5 chain; plus strand). Cytogenetic location: Xq22.3.
Variant type: single nucleotide variant.
Coding change: c.3428G>C on transcript NM_033380.3 (MANE Select); coding-DNA position 3428, G replaced by C.
Protein change: p.Gly1143Ala; replaces glycine 1143 with alanine.
Molecular consequence: missense variant.
Genome position (GRCh38, 1-based): chrX:108,665,561, G>C. VCF-style: chrX-108665561-G-C. GRCh37 (hg19) VCF-style: chrX-107908791-G-C.
Other names: p.(Gly1143Ala); c.3428G>C, p.Gly1143Ala (NM_000495.5); short protein forms G1143A.
Identifiers: ClinVar variation 5041991 (VCV005041991.1).

ClinVar aggregate classification (germline): Likely pathogenic (1 of 4 stars; one submission).

Conditions:
X-linked Alport syndrome (ATS1). Also called: NEPHROPATHY AND DEAFNESS, X-LINKED; COL4A5-Related Nephropathy. Identifiers: Orphanet 63, Orphanet 88917, MedGen C4746986, MONDO:0010520, OMIM 301050.

Submission:

Centre de Génétique Humaine, Institut de Pathologie Et de Génétique
Classification: Likely pathogenic for X-linked Alport syndrome. Last evaluated: 2026-07-08. Review status: criteria provided, single submitter. Criteria: ACMG Guidelines, 2015. Collection method: clinical testing. Allele origin: germline. Inheritance: X-linked dominant inheritance. Affected: yes. Observed: 2 variant alleles, 2 heterozygotes. Clinical features observed: Stage 5 chronic kidney disease (HP:0003774), Microscopic hematuria (HP:0002907). Segregation with disease not observed.
Comment: This missense variant involves a highly conserved glycine located in a ‘Gly-X-Y’ motif in collagenous region, (PM1,PP2). This variant is rare: absent in gnomAD v4.1.0 database (PM2). Two other missense variant affecting the same residue described as disease causing or pathogenic: c.3428G>A, p.(Gly1143Asp), PMID: 1598909 and c.3427G>A, p.(Gly1143Ser) (PM5). In silico analysis supports that this missense variant has a deleterious effect (PP3).